The following is an entry in ClinVar:

ClinVar aggregate classification (germline): Uncertain significance. Review status: criteria provided, multiple submitters, no conflicts (2 of 4 stars). 2 submissions from 2 submitters: Uncertain significance (2). Last evaluated 2023-10-05.

Conditions:
Familial thoracic aortic aneurysm and aortic dissection (TAAD). Also called: Thoracic aortic aneurysms and dissections. Identifiers: Orphanet 91387, MedGen C4707243, MONDO:0019625.

Allele frequency attached by ClinVar (database versions not stated): gnomAD exomes below 0.00001.
gnomAD v4.1: 3 of 1,613,730 alleles (0.00019%); highest among the groups gnomAD compares: South Asian, 0.0022%; no homozygotes.

Submissions (2):

Ambry Genetics
Classification: Uncertain significance for Familial thoracic aortic aneurysm and aortic dissection. Last evaluated: 2023-10-05. Review status: criteria provided, single submitter. Criteria: Ambry Variant Classification Scheme 2023. Collection method: clinical testing. Allele origin: germline.
Comment: The p.K335Q variant (also known as c.1003A>C), located in coding exon 2 of the SKI gene, results from an A to C substitution at nucleotide position 1003. The lysine at codon 335 is replaced by glutamine, an amino acid with similar properties. This amino acid position is conserved. In addition, this alteration is predicted to be tolerated by in silico analysis. Since supporting evidence is limited at this time, the clinical significance of this alteration remains unclear.

Blueprint Genetics
Classification: Uncertain significance. Last evaluated: 2022-02-09. Review status: criteria provided, single submitter. Criteria: ACMG Guidelines, 2015. Collection method: clinical testing. Allele origin: germline.

NM_003036.4(SKI):c.1003A>C (p.Lys335Gln)

Gene: SKI (SKI proto-oncogene; plus strand). Cytogenetic location: 1p36.32.
Variant type: single nucleotide variant.
Coding change: c.1003A>C on transcript NM_003036.4 (MANE Select); coding-DNA position 1003, A replaced by C.
Protein change: p.Lys335Gln; replaces lysine 335 with glutamine.
Molecular consequence: missense variant.
Genome position (GRCh38, 1-based): chr1:2,303,011, A>C. VCF-style: chr1-2303011-A-C. GRCh37 (hg19) VCF-style: chr1-2234450-A-C.
Other names: short protein forms K335Q.
Identifiers: ClinVar variation 3223047 (VCV003223047.2), dbSNP rs2521471453, ClinGen allele CA337953921.